The following is an entry in ClinVar:

NM_004360.5(CDH1):c.1261G>T (p.Gly421Ter)

Gene: CDH1 (cadherin 1; plus strand). Cytogenetic location: 16q22.1.
Variant type: single nucleotide variant.
Coding change: c.1261G>T on transcript NM_004360.5 (MANE Select); coding-DNA position 1261, G replaced by T.
Protein change: p.Gly421Ter; replaces glycine 421 with a stop codon.
Molecular consequence: nonsense. On other transcripts: 5 prime UTR variant (2), intron variant (1).
Genome position (GRCh38, 1-based): chr16:68,813,436, G>T. VCF-style: chr16-68813436-G-T. GRCh37 (hg19) VCF-style: chr16-68847339-G-T.
Other names: c.-355G>T (NM_001317185.2); c.-559G>T (NM_001317186.2); c.1137+1173G>T (NM_001317184.2); short protein forms G421*.
Identifiers: ClinVar variation 1763349 (VCV001763349.2), dbSNP rs747256664, ClinGen allele CA396461622.

ClinVar aggregate classification (germline): Pathogenic (1 of 4 stars; one submission).

Conditions:
Hereditary cancer-predisposing syndrome. Also called: Neoplastic Syndromes, Hereditary; Tumor predisposition; Hereditary Cancer Syndrome; Hereditary neoplastic syndrome. Identifiers: Orphanet 140162, MedGen C0027672, MeSH D009386, MONDO:0015356.

Submission:

Ambry Genetics
Classification: Pathogenic for Hereditary cancer-predisposing syndrome. Last evaluated: 2022-10-12. Review status: criteria provided, single submitter. Criteria: Ambry Variant Classification Scheme 2023. Collection method: clinical testing. Allele origin: germline.
Comment: The p.G421* pathogenic mutation (also known as c.1261G>T), located in coding exon 9 of the CDH1 gene, results from a G to T substitution at nucleotide position 1261. This changes the amino acid from a glycine to a stop codon within coding exon 9. This alteration is expected to result in loss of function by premature protein truncation or nonsense-mediated mRNA decay. As such, this alteration is interpreted as a disease-causing mutation.